The following continues an entry in ClinVar:

NM_001267550.2(TTN):c.6353T>C (p.Ile2118Thr)

Gene: TTN. ClinVar aggregate classification (germline): Conflicting classifications of pathogenicity. Uncertain significance (1); Benign (14); Likely benign (3).

Submissions 13 to 21 of 21:

CHEO Genetics Diagnostic Laboratory, Children's Hospital of Eastern Ontario
Classification: Benign for Cardiomyopathy. Last evaluated: 2016-03-09. Review status: criteria provided, single submitter. Criteria: ACMG Guidelines, 2015. Collection method: clinical testing. Allele origin: germline. Study: Canadian Open Genetics Repository.

Genetic Services Laboratory, University of Chicago
Classification: Benign. Last evaluated: 2014-08-14. Review status: criteria provided, single submitter. Criteria: ACMG Guidelines, 2015. Collection method: clinical testing. Allele origin: germline.

GeneDx
Classification: Benign. Last evaluated: 2014-05-01. Review status: criteria provided, single submitter. Criteria: GeneDx Variant Classification (06012015). Collection method: clinical testing. Allele origin: germline. Affected: yes.
Comment: This variant is considered likely benign or benign based on one or more of the following criteria: it is a conservative change, it occurs at a poorly conserved position in the protein, it is predicted to be benign by multiple in silico algorithms, and/or has population frequency not consistent with disease.

Ambry Genetics
Classification: Benign for Cardiovascular phenotype. Last evaluated: 2013-07-19. Review status: criteria provided, single submitter. Criteria: Ambry Autosomal Dominant and X-Linked criteria (10/2015). Collection method: clinical testing. Allele origin: germline. Observed: 1 variant allele.

Biesecker Lab/Clinical Genomics Section, National Institutes of Health
Classification: Benign. Last evaluated: 2013-06-24. Review status: criteria provided, single submitter. Criteria: Ng et al. (Circ Cardiovasc Genet. 2013). Collection method: research. Allele origin: unknown. Observed: 2 variant alleles. Study: ClinSeq.
Comment: The study set was not selected for affection status in relation to any cancer. Pathogenicity categories were based on literature curation. See Pubmed ID:23861362 for details.

Medical sequencing

Laboratory for Molecular Medicine, Mass General Brigham Personalized Medicine
Classification: Benign. Last evaluated: 2012-03-02. Review status: criteria provided, single submitter. Criteria: LMM Criteria. Collection method: clinical testing. Allele origin: germline. Observed: 14 variant alleles.
Comment: Ile2118Thr in exon 28 of TTN: This variant is not expected to have clinical sign ificance because it has been identified in 1.7% (63/3738) of African American ch romosomes from a broad population by the NHLBI Exome Sequencing Project (dbSNP rs56404770).

PreventionGenetics, part of Exact Sciences
Classification: Benign for TTN-related condition. Last evaluated: 2019-05-29. Review status: no assertion criteria provided. Collection method: clinical testing. Allele origin: germline. Not counted in ClinVar's aggregate classification.
Comment: This variant is classified as benign based on ACMG/AMP sequence variant interpretation guidelines (Richards et al. 2015 PMID: 25741868, with internal and published modifications).

Clinical Genetics DNA and cytogenetics Diagnostics Lab, Erasmus MC, Erasmus Medical Center
Classification: Benign. Review status: no assertion criteria provided. Collection method: clinical testing. Allele origin: germline. Affected: yes. Study: VKGL Data-share Consensus. Not counted in ClinVar's aggregate classification.

Clinical Genetics, Academic Medical Center
Classification: Benign. Review status: no assertion criteria provided. Collection method: clinical testing. Allele origin: germline. Affected: yes. Study: VKGL Data-share Consensus. Not counted in ClinVar's aggregate classification.

Literature cited by the submitters: PubMed 23861362 (cited by Athena Diagnostics); PubMed 37091313 (cited by Practice for Gait Abnormalities, David Pomarino, Competency Network Toe Walking C/o Practice Pomarino).